The following is an entry in ClinVar:

ClinVar aggregate classification (germline): Uncertain significance (1 of 4 stars; one submission).

Conditions:
Argininosuccinate lyase deficiency. Also called: Argininosuccinic aciduria; ARGININOSUCCINIC ACID LYASE DEFICIENCY; ASL DEFICIENCY. Identifiers: Orphanet 23, MedGen C0268547, MONDO:0008815, OMIM 207900, HP:0025630.

Allele frequency attached by ClinVar (database versions not stated): ExAC 0.00002; TOPMed 0.00004; gnomAD 0.00005; gnomAD exomes 0.00007.

Submission:

Labcorp Genetics (formerly Invitae), Labcorp
Classification: Uncertain significance for Argininosuccinate lyase deficiency. Last evaluated: 2021-11-22. Review status: criteria provided, single submitter. Criteria: Invitae Variant Classification Sherloc (09022015). Collection method: clinical testing. Allele origin: germline.
Comment: This sequence change replaces threonine, which is neutral and polar, with serine, which is neutral and polar, at codon 233 of the ASL protein (p.Thr233Ser). This variant is present in population databases (rs764495594, gnomAD 0.009%). This variant has not been reported in the literature in individuals affected with ASL-related conditions. Advanced modeling of protein sequence and biophysical properties (such as structural, functional, and spatial information, amino acid conservation, physicochemical variation, residue mobility, and thermodynamic stability) performed at Invitae indicates that this missense variant is expected to disrupt ASL protein function. In summary, the available evidence is currently insufficient to determine the role of this variant in disease. Therefore, it has been classified as a Variant of Uncertain Significance.

NM_000048.4(ASL):c.697A>T (p.Thr233Ser)

Gene: ASL (argininosuccinate lyase; plus strand). Cytogenetic location: 7q11.21.
Variant type: single nucleotide variant.
Coding change: c.697A>T on transcript NM_000048.4 (MANE Select); coding-DNA position 697, A replaced by T.
Protein change: p.Thr233Ser; replaces threonine 233 with serine.
Molecular consequence: missense variant.
Genome position (GRCh38, 1-based): chr7:66,087,770, A>T. VCF-style: chr7-66087770-A-T. GRCh37 (hg19) VCF-style: chr7-65552757-A-T.
Other names: c.697A>T, p.Thr233Ser (NM_001024943.2, NM_001024944.2); c.619A>T, p.Thr207Ser (NM_001024946.2); short protein forms T233S, T207S.
Identifiers: ClinVar variation 1935470 (VCV001935470.2), dbSNP rs764495594, ClinGen allele CA4277099.
Genomic context (GRCh38, chr7:66,087,770, plus strand): 5'-CTTCCTCCCACCCCCCCAGAACTCAACTTTGGGGCCATCACTCTCAACAGCATGGATGCC[A>T]CTAGTGAGCGGGACTTTGTGGGTGAGTCCTGGGGAGCCAGTCCCCTGCCCTGTGCCTCAC-3'
Protein context (NP_000039.2, residues 223-243): GAITLNSMDA[Thr233Ser]SERDFVAEFL